The following is an entry in ClinVar:

NM_030973.4(MED25):c.2192C>T (p.Pro731Leu)

Gene: MED25 (mediator complex subunit 25; plus strand). Cytogenetic location: 19q13.33.
Variant type: single nucleotide variant.
Coding change: c.2192C>T on transcript NM_030973.4 (MANE Select); coding-DNA position 2192, C replaced by T.
Protein change: p.Pro731Leu; replaces proline 731 with leucine.
Molecular consequence: missense variant. On other transcripts: intron variant (1).
Genome position (GRCh38, 1-based): chr19:49,836,892, C>T. VCF-style: chr19-49836892-C-T. GRCh37 (hg19) VCF-style: chr19-50340149-C-T.
Other names: c.2146+486C>T (NM_001378355.1); short protein forms P731L.
Identifiers: ClinVar variation 841303 (VCV000841303.8), dbSNP rs765135124, ClinGen allele CA9585544.
Genomic context (GRCh38, chr19:49,836,892, plus strand): 5'-CCCACTGCCCCTCAGGTCAGATGCTGCTGAGCGGGGGTCCCCGGGGCCCGGTCCCCCAGC[C>T]GGGCCTGCAGCCCAGCGTCATGGAGGACGACATCCTCATGGATCTCATCTGAATCCCCAA-3'
Protein context (NP_112235.2, residues 721-741): SGGPRGPVPQ[Pro731Leu]GLQPSVMEDD

ClinVar aggregate classification (germline): Uncertain significance. Review status: criteria provided, multiple submitters, no conflicts (2 of 4 stars). 2 submissions from 2 submitters: Uncertain significance (2). Last evaluated 2022-07-06.

Conditions:
Charcot-Marie-Tooth disease type 2. Also called: Charcot-Marie-Tooth type 2. Identifiers: Orphanet 64746, MedGen C0270914, MONDO:0018993.
Charcot-Marie-Tooth disease. Also called: Charcot-Marie-Tooth Hereditary Neuropathy; Charcot-Marie-Tooth Neuropathy. Identifiers: Orphanet 166, MedGen C0007959, MONDO:0015626.

Allele frequency attached by ClinVar (database versions not stated): gnomAD exomes 0.00006 and 0.00002; TOPMed below 0.00001; gnomAD 0.00001; ExAC 0.00005.
gnomAD v4.1: 81 of 1,612,644 alleles (0.005%); highest among the groups gnomAD compares: Non-Finnish European, 0.0067%; no homozygotes.

Submissions (2):

Labcorp Genetics (formerly Invitae), Labcorp
Classification: Uncertain significance for Charcot-Marie-Tooth disease type 2. Last evaluated: 2022-07-06. Review status: criteria provided, single submitter. Criteria: Invitae Variant Classification Sherloc (09022015). Collection method: clinical testing. Allele origin: germline.
Comment: This sequence change replaces proline, which is neutral and non-polar, with leucine, which is neutral and non-polar, at codon 731 of the MED25 protein (p.Pro731Leu). This variant is present in population databases (rs765135124, gnomAD 0.007%). This missense change has been observed in individual(s) with Charcot-Marie-Tooth disease (PMID: 32376792). ClinVar contains an entry for this variant (Variation ID: 841303). Algorithms developed to predict the effect of missense changes on protein structure and function (SIFT, PolyPhen-2, Align-GVGD) all suggest that this variant is likely to be tolerated. In summary, the available evidence is currently insufficient to determine the role of this variant in disease. Therefore, it has been classified as a Variant of Uncertain Significance.

Molecular Genetics Laboratory, London Health Sciences Centre
Classification: Uncertain significance for Charcot-Marie-Tooth disease. Review status: criteria provided, single submitter. Criteria: ACMG Guidelines, 2015. Collection method: clinical testing. Allele origin: germline. Affected: yes.

Literature cited by the submitters: PubMed 32376792 (cited by Labcorp Genetics (formerly Invitae), Labcorp).